The following is an entry in ClinVar:

ClinVar aggregate classification (germline): Likely pathogenic. Review status: criteria provided, single submitter (1 of 4 stars). 2 submissions from 2 submitters: Likely pathogenic (1). 1 of the submissions does not count toward it. Last evaluated 2021-10-28.

Conditions:
Autosomal dominant nonsyndromic hearing loss 22. Also called: DFNA 22; Autosomal dominant nonsyndromic deafness 22. Identifiers: Orphanet 228012, MedGen C2931767, MONDO:0011660, OMIM 606346.

Submissions (2):

Labcorp Genetics (formerly Invitae), Labcorp
Classification: Likely pathogenic. Last evaluated: 2021-10-28. Review status: criteria provided, single submitter. Criteria: Invitae Variant Classification Sherloc (09022015). Collection method: clinical testing. Allele origin: germline.
Comment: This sequence change affects an acceptor splice site in intron 20 of the MYO6 gene. It is expected to disrupt RNA splicing. Variants that disrupt the donor or acceptor splice site typically lead to a loss of protein function (PMID: 16199547), and loss-of-function variants in MYO6 are known to be pathogenic (PMID: 12687499, 18348273, 23767834, 25999546, 30582396). Algorithms developed to predict the effect of sequence changes on RNA splicing suggest that this variant may disrupt the consensus splice site. ClinVar contains an entry for this variant (Variation ID: 978024). This variant has not been reported in the literature in individuals affected with MYO6-related conditions. This variant is not present in population databases (gnomAD no frequency). In summary, the currently available evidence indicates that the variant is pathogenic, but additional data are needed to prove that conclusively. Therefore, this variant has been classified as Likely Pathogenic.

Clinical Genomics Laboratory, Stanford Medicine
Classification: Likely pathogenic for Autosomal dominant nonsyndromic hearing loss 22. Last evaluated: 2019-05-29. Review status: no assertion criteria provided. Collection method: clinical testing. Allele origin: germline. Inheritance: Autosomal dominant inheritance. Affected: yes. Not counted in ClinVar's aggregate classification.
Comment: The c.2078-2A>G variant in the MYO6 gene has not been previously reported in association with disease. This variant was absent from large population databases, including the Genome Aggregation Database. The c.2078-2A>G variant alters the canonical acceptor splice site in intron 20, which is predicted to result in abnormal gene splicing. Heterozygous loss of function is an established mechanism of disease for the MYO6 gene. These data were assessed using the ACMG/AMP variant interpretation guidelines. In summary, there is sufficient evidence to classify the c.2078-2A>G variant as likely pathogenic for autosomal dominant nonsydromic sensorineural hearing loss based on the information above. [ACMG evidence codes used: PVS1_Strong; PM2]

Literature cited by the submitters: PubMed 16199547 (cited by Labcorp Genetics (formerly Invitae), Labcorp); PubMed 12687499 (cited by Labcorp Genetics (formerly Invitae), Labcorp); PubMed 18348273 (cited by Labcorp Genetics (formerly Invitae), Labcorp); PubMed 23767834 (cited by Labcorp Genetics (formerly Invitae), Labcorp); PubMed 25999546 (cited by Labcorp Genetics (formerly Invitae), Labcorp); PubMed 30582396 (cited by Labcorp Genetics (formerly Invitae), Labcorp).

NM_004999.4(MYO6):c.2078-2A>G

Gene: MYO6 (myosin VI; plus strand). Cytogenetic location: 6q14.1.
Variant type: single nucleotide variant.
Coding change: c.2078-2A>G on transcript NM_004999.4 (MANE Select); the canonical splice acceptor site of the intron before coding-DNA position 2078, A replaced by G.
Molecular consequence: splice acceptor variant.
Genome position (GRCh38, 1-based): chr6:75,879,818, A>G. VCF-style: chr6-75879818-A-G. GRCh37 (hg19) VCF-style: chr6-76589535-A-G.
Other names: c.2078-2A>G (NM_001368865.1, NM_001368866.1, NM_001368137.1 and 2 more transcripts); c.2063-2A>G (NM_001368138.1).
Identifiers: ClinVar variation 978024 (VCV000978024.7), dbSNP rs1777874560, ClinGen allele CA364770861.
Genomic context (GRCh38, chr6:75,879,818, plus strand): 5'-ACAAATTATTTTGGACTTCCGAACAGTGATTGACAGTGCTTTGTGCTTGTTCGTGAATCT[A>G]GGGATGGTGTCTGTTTTGGACTTGATGCAGGGTGGTTACCCATCACGAGCTTCATTTCAT-3'